The following is an entry in ClinVar:

NM_001257281.2(DIS3L2):c.1687C>T (p.Arg563Trp)

Gene: DIS3L2 (DIS3 like 3'-5' exoribonuclease 2; plus strand). Cytogenetic location: 2q37.1.
Variant type: single nucleotide variant.
Coding change: c.1687C>T on transcript NM_001257281.2; coding-DNA position 1687, C replaced by T.
Protein change: p.Arg563Trp; replaces arginine 563 with tryptophan.
Molecular consequence: missense variant.
Genome position (GRCh38, 1-based): chr2:232,343,450, C>T. VCF-style: chr2-232343450-C-T. GRCh37 (hg19) VCF-style: chr2-233208160-C-T.
Other names: short protein forms R563W.
Identifiers: ClinVar variation 4881883 (VCV004881883.2).

ClinVar aggregate classification (germline): Uncertain significance (1 of 4 stars; one submission).

gnomAD v4.1: 124 of 1,555,700 alleles (0.008%); highest among the groups gnomAD compares: Non-Finnish European, 0.01%; no homozygotes.

Submission:

Dasa
Classification: Uncertain significance. Last evaluated: 2025-09-08. Review status: criteria provided, single submitter. Criteria: DASA Assertion Criteria. Collection method: clinical testing. Allele origin: germline.
Comment: NM_001257281.2(DIS3L2):c.1687C>T (p.Arg563Trp) is a missense variant that results in the substitution of arginine with tryptophan. This variant is rare in population databases. Computational prediction algorithms are consistent with a benign effect. The currently available literature and clinical evidence are not sufficient to establish a definitive association between this variant and the reported condition. Therefore, this variant is classified as a variant of uncertain significance.